The following is an entry in ClinVar:

ClinVar aggregate classification (germline): Benign. Review status: criteria provided, multiple submitters, no conflicts (2 of 4 stars). 9 submissions from 3 submitters: Benign (9). Last evaluated 2020-01-07.

Conditions:
Acromicric dysplasia (ACMICD). Also called: Acromicric skeletal dysplasia. Identifiers: Orphanet 969, MedGen C0265287, MONDO:0007055, OMIM 102370.
Weill-Marchesani syndrome. Also called: WM Syndrome; Mesodermal dysmorphodystrophy congenital. Identifiers: Orphanet 3449, MedGen C0265313, MONDO:0018096.
Familial thoracic aortic aneurysm and aortic dissection (TAAD). Also called: Thoracic aortic aneurysms and dissections. Identifiers: Orphanet 91387, MedGen C4707243, MONDO:0019625.
Geleophysic dysplasia. Identifiers: Orphanet 2623, MedGen C3489726, MONDO:0000127.
Ectopia lentis 1, isolated, autosomal dominant (ECTOL1). Identifiers: Orphanet 1885, MedGen C3541518, MONDO:0007514, OMIM 129600.
Stiff skin syndrome (SSKS). Identifiers: Orphanet 2833, MedGen C1861456, MONDO:0008492, OMIM 184900.
Marfan syndrome (MFS). Also called: Marfan syndrome type 1; Marfan's syndrome; FBN1-Related Marfan Syndrome; Marfan syndrome, classic; MARFAN SYNDROME, TYPE I. Identifiers: Orphanet 284963, Orphanet 558, MedGen C0024796, MONDO:0007947, OMIM 154700.

Allele frequency attached by ClinVar (database versions not stated): TOPMed 0.06943; 1000 Genomes Project 30x 0.12289; gnomAD 0.06008; 1000 Genomes Project 0.12680; gnomAD exomes 0.12821.

Submissions (9):

GeneDx
Classification: Benign. Last evaluated: 2020-01-07. Review status: criteria provided, single submitter. Criteria: GeneDx Variant Classification Process June 2021. Collection method: clinical testing. Allele origin: germline. Affected: yes.

Illumina Laboratory Services, Illumina
Classification: Benign for Marfan syndrome. Last evaluated: 2018-01-13. Review status: criteria provided, single submitter. Criteria: ICSL Variant Classification Criteria 13 December 2019. Collection method: clinical testing. Allele origin: germline.
Comment: This variant was observed in the ICSL laboratory as part of a predisposition screen in an ostensibly healthy population. It had not been previously curated by ICSL or reported in the Human Gene Mutation Database (HGMD: prior to June 1st, 2018), and was therefore a candidate for classification through an automated scoring system. Utilizing variant allele frequency, disease prevalence and penetrance estimates, and inheritance mode, an automated score was calculated to assess if this variant is too frequent to cause the disease. Based on the score and internal cut-off values, a variant classified as benign is not then subjected to further curation. The score for this variant resulted in a classification of benign for this disease.

Illumina Laboratory Services, Illumina
Classification: Benign for Familial thoracic aortic aneurysm and aortic dissection. Last evaluated: 2018-01-13. Review status: criteria provided, single submitter. Criteria: ICSL Variant Classification Criteria 13 December 2019. Collection method: clinical testing. Allele origin: germline.
Comment: the same text as in the submission from Illumina Laboratory Services, Illumina above.

Illumina Laboratory Services, Illumina
Classification: Benign for Acromicric dysplasia. Last evaluated: 2018-01-13. Review status: criteria provided, single submitter. Criteria: ICSL Variant Classification Criteria 13 December 2019. Collection method: clinical testing. Allele origin: germline.
Comment: the same text as in the submission from Illumina Laboratory Services, Illumina above.

Illumina Laboratory Services, Illumina
Classification: Benign for Geleophysic dysplasia. Last evaluated: 2018-01-13. Review status: criteria provided, single submitter. Criteria: ICSL Variant Classification Criteria 13 December 2019. Collection method: clinical testing. Allele origin: germline.
Comment: the same text as in the submission from Illumina Laboratory Services, Illumina above.

Illumina Laboratory Services, Illumina
Classification: Benign for Ectopia lentis 1, isolated, autosomal dominant. Last evaluated: 2018-01-13. Review status: criteria provided, single submitter. Criteria: ICSL Variant Classification Criteria 13 December 2019. Collection method: clinical testing. Allele origin: germline.
Comment: the same text as in the submission from Illumina Laboratory Services, Illumina above.

Illumina Laboratory Services, Illumina
Classification: Benign for Weill-Marchesani syndrome. Last evaluated: 2018-01-13. Review status: criteria provided, single submitter. Criteria: ICSL Variant Classification Criteria 13 December 2019. Collection method: clinical testing. Allele origin: germline.
Comment: the same text as in the submission from Illumina Laboratory Services, Illumina above.

Illumina Laboratory Services, Illumina
Classification: Benign for Stiff skin syndrome. Last evaluated: 2018-01-13. Review status: criteria provided, single submitter. Criteria: ICSL Variant Classification Criteria 13 December 2019. Collection method: clinical testing. Allele origin: germline.
Comment: the same text as in the submission from Illumina Laboratory Services, Illumina above.

Breakthrough Genomics
Classification: Benign. Review status: criteria provided, single submitter. Criteria: ACMG Guidelines, 2015. Collection method: not provided. Allele origin: germline. Inheritance: Autosomal dominant inheritance. Affected: yes.

NM_000138.4(FBN1):c.-388C>T

Gene: FBN1 (fibrillin 1; minus strand). Cytogenetic location: 15q21.1.
Variant type: single nucleotide variant.
Coding change: c.-388C>T on transcript NM_000138.4; 388 bases upstream of the start codon, C replaced by T.
Genome position (GRCh38, 1-based): chr15:48,645,781, G>A on the plus strand (C>T on the coding strand, the complement: FBN1 is on the minus strand). VCF-style: chr15-48645781-G-A. GRCh37 (hg19) VCF-style: chr15-48937978-G-A.
Identifiers: ClinVar variation 316401 (VCV000316401.10), dbSNP rs3825792, ClinGen allele CA10642098.